The following is an entry in ClinVar:

ClinVar aggregate classification (germline): Likely benign (1 of 4 stars; one submission).

Conditions:
Aneurysm-osteoarthritis syndrome. Also called: SMAD3-Related Loeys-Dietz Syndrome; ANEURYSMS-OSTEOARTHRITIS SYNDROME; Loeys-Dietz syndrome, type 1C; LOEYS-DIETZ SYNDROME WITH OSTEOARTHRITIS. Identifiers: Orphanet 284984, MedGen C3151087, MONDO:0013426, OMIM 613795.

Allele frequency attached by ClinVar (database versions not stated): gnomAD 0.00001.
gnomAD v4.1: 1 of 1,614,078 alleles (0.000062%); highest among the groups gnomAD compares: Non-Finnish European, 0.000085%; no homozygotes.

Submission:

All of Us Research Program, National Institutes of Health
Classification: Likely benign for Aneurysm-osteoarthritis syndrome. Last evaluated: 2023-10-02. Review status: criteria provided, single submitter. Criteria: ACMG Guidelines, 2015. Collection method: clinical testing. Allele origin: germline. Inheritance: Autosomal dominant inheritance. Observed: 1 variant allele, 1 heterozygote.
Comment: This study involves interpretation of variants in research participants for the purpose of population health screening. Participant phenotype was not available at the time of variant classification. Additional details can be found in publication PMID: 35346344, PMCID: PMC8962531

NM_005902.4(SMAD3):c.375C>T (p.Tyr125=)

Gene: SMAD3 (SMAD family member 3; plus strand). Cytogenetic location: 15q22.33.
Variant type: single nucleotide variant.
Coding change: c.375C>T on transcript NM_005902.4 (MANE Select); coding-DNA position 375, C replaced by T.
Protein change: p.Tyr125=; no amino-acid change (tyrosine 125 retained).
Molecular consequence: synonymous variant.
Genome position (GRCh38, 1-based): chr15:67,165,063, C>T. VCF-style: chr15-67165063-C-T. GRCh37 (hg19) VCF-style: chr15-67457401-C-T.
Other names: c.228C>T, p.Tyr76= (NM_001407014.1); c.60C>T, p.Tyr20= (NM_001407015.1, NM_001407016.1, NM_001145102.2); c.243C>T, p.Tyr81= (NM_001145103.2); c.375C>T, p.Tyr125= (NM_001407011.1, NM_001407012.1, NM_001407013.1).
Identifiers: ClinVar variation 3073660 (VCV003073660.1), dbSNP rs1266340263, ClinGen allele CA491071623.